The following is an entry in ClinVar:

NM_001165963.4(SCN1A):c.3822T>G (p.Tyr1274Ter)

Genes: SCN1A (sodium voltage-gated channel alpha subunit 1; minus strand), LOC102724058 (uncharacterized LOC102724058; plus strand). Cytogenetic location: 2q24.3.
Variant type: single nucleotide variant.
Coding change: c.3822T>G on transcript NM_001165963.4 (MANE Select); coding-DNA position 3822, T replaced by G.
Protein change: p.Tyr1274Ter; replaces tyrosine 1274 with a stop codon.
Molecular consequence: nonsense. On other transcripts: non-coding transcript variant (1).
Genome position (GRCh38, 1-based): chr2:166,012,166, A>C on the plus strand (T>G on the coding strand, the complement: SCN1A is on the minus strand). VCF-style: chr2-166012166-A-C. GRCh37 (hg19) VCF-style: chr2-166868676-A-C.
Other names: c.3738T>G, p.Tyr1246Ter (NM_001165964.3, NM_001353957.2, NM_001353958.2); c.3822T>G, p.Tyr1274Ter (NM_001202435.3, NM_001353948.2); c.3789T>G, p.Tyr1263Ter (NM_001353949.2, NM_001353950.2, NM_001353951.2 and 2 more transcripts); c.3786T>G, p.Tyr1262Ter (NM_001353954.2, NM_001353955.2); c.3735T>G, p.Tyr1245Ter (NM_001353960.2); c.1380T>G, p.Tyr460Ter (NM_001353961.2); short protein forms Y1274*, Y1263*, Y1246*, Y1245*, Y1262*, Y460*.
Identifiers: ClinVar variation 408930 (VCV000408930.7), dbSNP rs1060502188, ClinGen allele CA16610272.
Genomic context (GRCh38, chr2:166,012,166, plus strand): 5'-TACATCAACAATTAAGAAGTCCAGCCAACACCAGGCATTGGTGAAATATGTTTGATAGCC[A>C]TATGCCACCCATTTTAGAAGCATTTCCAGAATGAAAATGTAAGTGAAAACCTTGTCAGCA-3'

ClinVar aggregate classification (germline): Pathogenic (1 of 4 stars; one submission).

Conditions:
Early-infantile DEE. Also called: Early infantile epileptic encephalopathy; Early infantile epileptic encephalopathy with suppression bursts; Ohtahara syndrome. Identifiers: Orphanet 1934, MedGen C0393706, MONDO:0800491.

Submission:

Labcorp Genetics (formerly Invitae), Labcorp
Classification: Pathogenic for Early-infantile DEE. Last evaluated: 2016-05-30. Review status: criteria provided, single submitter. Criteria: Invitae Variant Classification Sherloc (09022015). Collection method: clinical testing. Allele origin: germline.
Comment: For these reasons, this variant has been classified as Pathogenic. While this particular variant has not been reported in the literature, truncating variants in SCN1A are known to be pathogenic (PMID: 17347258, 18930999). This sequence change creates a premature translational stop signal at codon 1274 (p.Tyr1274*) of the SCN1A gene. It is expected to result in an absent or disrupted protein product.

Literature cited by the submitters: PubMed 17347258; PubMed 18930999.